The following is an entry in ClinVar:

ClinVar aggregate classification (germline): Uncertain significance (1 of 4 stars; one submission).

Submission:

GeneDx
Classification: Uncertain significance. Last evaluated: 2025-01-06. Review status: criteria provided, single submitter. Criteria: GeneDx Variant Classification Process June 2021. Collection method: clinical testing. Allele origin: germline. Affected: yes.
Comment: Not observed at significant frequency in large population cohorts (gnomAD); In silico analysis supports that this missense variant has a deleterious effect on protein structure/function; Has not been previously published as pathogenic or benign to our knowledge

NM_001369.3(DNAH5):c.9617G>A (p.Gly3206Glu)

Gene: DNAH5 (dynein axonemal heavy chain 5; minus strand). Cytogenetic location: 5p15.2.
Variant type: single nucleotide variant.
Coding change: c.9617G>A on transcript NM_001369.3 (MANE Select); coding-DNA position 9617, G replaced by A.
Protein change: p.Gly3206Glu; replaces glycine 3206 with glutamic acid.
Molecular consequence: missense variant.
Genome position (GRCh38, 1-based): chr5:13,769,604, C>T on the plus strand (G>A on the coding strand, the complement: DNAH5 is on the minus strand). VCF-style: chr5-13769604-C-T. GRCh37 (hg19) VCF-style: chr5-13769713-C-T.
Other names: short protein forms G3206E.
Identifiers: ClinVar variation 4055981 (VCV004055981.1).